The following is an entry in ClinVar:

NM_000179.3(MSH6):c.1766A>G (p.Tyr589Cys)

Gene: MSH6 (mutS homolog 6; plus strand). Cytogenetic location: 2p16.3.
Variant type: single nucleotide variant.
Coding change: c.1766A>G on transcript NM_000179.3 (MANE Select); coding-DNA position 1766, A replaced by G.
Protein change: p.Tyr589Cys; replaces tyrosine 589 with cysteine.
Molecular consequence: missense variant. On other transcripts: non-coding transcript variant (4), intron variant (2).
Genome position (GRCh38, 1-based): chr2:47,799,749, A>G. VCF-style: chr2-47799749-A-G. GRCh37 (hg19) VCF-style: chr2-48026888-A-G.
Other names: c.1469A>G, p.Tyr490Cys (NM_001406821.1, NM_001406822.1, NM_001406824.1 and 10 more transcripts); c.860A>G, p.Tyr287Cys (NM_001406823.1, NM_001406829.1, NM_001281493.2 and 6 more transcripts); c.1598A>G, p.Tyr533Cys (NM_001406826.1); c.1376A>G, p.Tyr459Cys (NM_001281492.2); c.1862A>G, p.Tyr621Cys (NM_001406795.1, NM_001406802.1); c.1766A>G, p.Tyr589Cys (NM_001406796.1, NM_001406798.1, NM_001406800.1 and 3 more transcripts); c.1241A>G, p.Tyr414Cys (NM_001406799.1, NM_001406806.1, NM_001406807.1); c.1688A>G, p.Tyr563Cys (NM_001406804.1); and 3 more; short protein forms Y490C, Y533C, Y621C, Y589C, Y591C, Y414C, Y563C, Y287C.
Identifiers: ClinVar variation 2773642 (VCV002773642.3), dbSNP rs2104366277, ClinGen allele CA346749112.

ClinVar aggregate classification (germline): Uncertain significance. Review status: criteria provided, multiple submitters, no conflicts (2 of 4 stars). 2 submissions from 2 submitters: Uncertain significance (2). Last evaluated 2024-10-26.

Conditions:
Hereditary cancer-predisposing syndrome. Also called: Hereditary neoplastic syndrome; Hereditary Cancer Syndrome; Neoplastic Syndromes, Hereditary; Tumor predisposition. Identifiers: Orphanet 140162, MedGen C0027672, MeSH D009386, MONDO:0015356.

Submissions (2):

Ambry Genetics
Classification: Uncertain significance for Hereditary cancer-predisposing syndrome. Last evaluated: 2024-10-26. Review status: criteria provided, single submitter. Criteria: Ambry Variant Classification Scheme 2023. Collection method: clinical testing. Allele origin: germline.
Comment: The p.Y589C variant (also known as c.1766A>G), located in coding exon 4 of the MSH6 gene, results from an A to G substitution at nucleotide position 1766. The tyrosine at codon 589 is replaced by cysteine, an amino acid with highly dissimilar properties. This variant was identified in a cohort of 882 Chinese individuals with a personal and/or family history of breast or ovarian cancers who underwent multi-gene panel testing for HBOC risk assessment (Shao D et al. Cancer Sci, 2020 Feb;111:647-657). This amino acid position is well conserved in available vertebrate species. In addition, this alteration is predicted to be deleterious by in silico analysis. Based on the available evidence, the clinical significance of this variant remains unclear.

Color Diagnostics, LLC DBA Color Health
Classification: Uncertain significance for Hereditary cancer-predisposing syndrome. Last evaluated: 2023-01-24. Review status: criteria provided, single submitter. Criteria: ACMG Guidelines, 2015. Collection method: clinical testing. Allele origin: germline.
Comment: This missense variant replaces tyrosine with cysteine at codon 589 of the MSH6 protein. Computational prediction suggests that this variant may have deleterious impact on protein structure and function (internally defined REVEL score threshold >= 0.7, PMID: 27666373). To our knowledge, functional studies have not been reported for this variant. This variant has been reported in a cohort of hereditary breast and ovarian cancer individuals (PMID: 31742824). This variant has not been identified in the general population by the Genome Aggregation Database (gnomAD). The available evidence is insufficient to determine the role of this variant in disease conclusively. Therefore, this variant is classified as a Variant of Uncertain Significance.

Literature cited by the submitters: PubMed 31742824 (cited by Ambry Genetics and Color Diagnostics, LLC DBA Color Health).